The following is an entry in ClinVar:

ClinVar aggregate classification (germline): Uncertain significance. Review status: criteria provided, multiple submitters, no conflicts (2 of 4 stars). 2 submissions from 2 submitters: Uncertain significance (2). Last evaluated 2023-09-20.

Conditions:
Inborn genetic diseases. Identifiers: MedGen C0950123, MeSH D030342.

Allele frequency attached by ClinVar (database versions not stated): gnomAD exomes below 0.00001; gnomAD 0.00001; ExAC 0.00002.
gnomAD v4.1: 9 of 1,586,016 alleles (0.00057%); highest among the groups gnomAD compares: South Asian, 0.0023%; no homozygotes.

Submissions (2):

Ambry Genetics
Classification: Uncertain significance for Inborn genetic diseases. Last evaluated: 2023-09-20. Review status: criteria provided, single submitter. Criteria: Ambry Variant Classification Scheme 2023. Collection method: clinical testing. Allele origin: germline.

Labcorp Genetics (formerly Invitae), Labcorp
Classification: Uncertain significance. Last evaluated: 2022-09-01. Review status: criteria provided, single submitter. Criteria: Invitae Variant Classification Sherloc (09022015). Collection method: clinical testing. Allele origin: germline.
Comment: This sequence change replaces leucine, which is neutral and non-polar, with proline, which is neutral and non-polar, at codon 1068 of the LAMC3 protein (p.Leu1068Pro). This variant is present in population databases (rs758394126, gnomAD 0.002%). This variant has not been reported in the literature in individuals affected with LAMC3-related conditions. Algorithms developed to predict the effect of missense changes on protein structure and function output the following: SIFT: "Deleterious"; PolyPhen-2: "Possibly Damaging"; Align-GVGD: "Class C0". The proline amino acid residue is found in multiple mammalian species, which suggests that this missense change does not adversely affect protein function. In summary, the available evidence is currently insufficient to determine the role of this variant in disease. Therefore, it has been classified as a Variant of Uncertain Significance.

NM_006059.4(LAMC3):c.3203T>C (p.Leu1068Pro)

Gene: LAMC3 (laminin subunit gamma 3; plus strand). Cytogenetic location: 9q34.12.
Variant type: single nucleotide variant.
Coding change: c.3203T>C on transcript NM_006059.4 (MANE Select); coding-DNA position 3203, T replaced by C.
Protein change: p.Leu1068Pro; replaces leucine 1068 with proline.
Molecular consequence: missense variant.
Genome position (GRCh38, 1-based): chr9:131,071,617, T>C. VCF-style: chr9-131071617-T-C. GRCh37 (hg19) VCF-style: chr9-133947004-T-C.
Other names: c.3203T>C (NM_006059.3); short protein forms L1068P.
Identifiers: ClinVar variation 1903957 (VCV001903957.3), dbSNP rs758394126, ClinGen allele CA5287704.